The following is an entry in ClinVar:

ClinVar aggregate classification (germline): Benign. Review status: criteria provided, multiple submitters, no conflicts (2 of 4 stars). 3 submissions from 3 submitters: Benign (2). 1 of the submissions does not count toward it. Last evaluated 2019-12-31.

Conditions:
TMPRSS5-related disorder. Also called: TMPRSS5-related condition.

Allele frequency attached by ClinVar (database versions not stated): gnomAD exomes 0.00192; ExAC 0.00418; gnomAD 0.00758 and 0.00820; ESP Exome Variant Server 0.00760; 1000 Genomes Project 30x 0.00828; 1000 Genomes Project 0.00859; TOPMed 0.00883.
gnomAD v4.1: 2,163 of 1,559,044 alleles (0.14%); highest among the groups gnomAD compares: African/African-American, 2.6%; 21 homozygotes.

Submissions (3):

Labcorp Genetics (formerly Invitae), Labcorp
Classification: Benign. Last evaluated: 2019-12-31. Review status: criteria provided, single submitter. Criteria: Invitae Variant Classification Sherloc (09022015). Collection method: clinical testing. Allele origin: germline.

GeneDx
Classification: Benign. Last evaluated: 2018-01-12. Review status: criteria provided, single submitter. Criteria: GeneDx Variant Classification (06012015). Collection method: clinical testing. Allele origin: germline. Affected: yes.
Comment: This variant is considered likely benign or benign based on one or more of the following criteria: it is a conservative change, it occurs at a poorly conserved position in the protein, it is predicted to be benign by multiple in silico algorithms, and/or has population frequency not consistent with disease.

PreventionGenetics, part of Exact Sciences
Classification: Benign for TMPRSS5-related condition. Last evaluated: 2019-07-11. Review status: no assertion criteria provided. Collection method: clinical testing. Allele origin: germline. Not counted in ClinVar's aggregate classification.
Comment: This variant is classified as benign based on ACMG/AMP sequence variant interpretation guidelines (Richards et al. 2015 PMID: 25741868, with internal and published modifications).

NM_030770.4(TMPRSS5):c.465-6G>A

Gene: TMPRSS5 (transmembrane serine protease 5; minus strand). Cytogenetic location: 11q23.2.
Variant type: single nucleotide variant.
Coding change: c.465-6G>A on transcript NM_030770.4 (MANE Select); 6 bases into the intron before coding-DNA position 465, G replaced by A.
Molecular consequence: intron variant.
Genome position (GRCh38, 1-based): chr11:113,696,977, C>T on the plus strand (G>A on the coding strand, the complement: TMPRSS5 is on the minus strand). VCF-style: chr11-113696977-C-T. GRCh37 (hg19) VCF-style: chr11-113567699-C-T.
Other names: c.333-6G>A (NM_001288749.2, NM_001288750.2); c.465-6G>A (NM_001288752.2); c.438-6G>A (NM_001288751.2).
Identifiers: ClinVar variation 513461 (VCV000513461.7), dbSNP rs115604269, ClinGen allele CA6281815.